The following is an entry in ClinVar:

NM_001080432.3(FTO):c.889A>G (p.Met297Val)

Gene: FTO (FTO alpha-ketoglutarate dependent dioxygenase; plus strand). Cytogenetic location: 16q12.2.
Variant type: single nucleotide variant.
Coding change: c.889A>G on transcript NM_001080432.3 (MANE Select); coding-DNA position 889, A replaced by G.
Protein change: p.Met297Val; replaces methionine 297 with valine.
Molecular consequence: missense variant. On other transcripts: non-coding transcript variant (1), intron variant (2).
Genome position (GRCh38, 1-based): chr16:53,844,292, A>G. VCF-style: chr16-53844292-A-G. GRCh37 (hg19) VCF-style: chr16-53878204-A-G.
Other names: c.889A>G, p.Met297Val (NM_001363896.2, NM_001363900.2, NM_001363903.2 and 5 more transcripts); c.811A>G, p.Met271Val (NM_001363897.2); c.919A>G, p.Met307Val (NM_001363898.2, NM_001363891.2); c.376A>G, p.Met126Val (NM_001363905.2); c.781+17771A>G (NM_001363899.2); c.751+17801A>G (NM_001363901.2); short protein forms M126V, M271V, M307V, M297V.
Identifiers: ClinVar variation 2097500 (VCV002097500.4), dbSNP rs1207288378, ClinGen allele CA396120176.
Genomic context (GRCh38, chr16:53,844,292, plus strand): 5'-TCATGGGACATAGAGACACCTGGTTTGGCGATACCCCTTCACCAAGGAGACTGCTATTTC[A>G]TGCTTGGTAATCTTTGGAAAATCAAAATTATATTGAAACTCTAGTGTCTAAATTTAGATT-3'
Protein context (NP_001073901.1, residues 287-307): IPLHQGDCYF[Met297Val]LDDLNATHQH

ClinVar aggregate classification (germline): Uncertain significance (1 of 4 stars; one submission).

Allele frequency attached by ClinVar (database versions not stated): gnomAD exomes below 0.00001; gnomAD 0.00001; TOPMed 0.00001.
gnomAD v4.1: 4 of 1,612,432 alleles (0.00025%); highest among the groups gnomAD compares: Non-Finnish European, 0.00034%; no homozygotes.

Submission:

Labcorp Genetics (formerly Invitae), Labcorp
Classification: Uncertain significance. Last evaluated: 2024-01-02. Review status: criteria provided, single submitter. Criteria: Invitae Variant Classification Sherloc (09022015). Collection method: clinical testing. Allele origin: germline.
Comment: This sequence change replaces methionine, which is neutral and non-polar, with valine, which is neutral and non-polar, at codon 297 of the FTO protein (p.Met297Val). This variant is not present in population databases (gnomAD no frequency). This variant has not been reported in the literature in individuals affected with FTO-related conditions. ClinVar contains an entry for this variant (Variation ID: 2097500). Advanced modeling of protein sequence and biophysical properties (such as structural, functional, and spatial information, amino acid conservation, physicochemical variation, residue mobility, and thermodynamic stability) has been performed at Invitae for this missense variant, however the output from this modeling did not meet the statistical confidence thresholds required to predict the impact of this variant on FTO protein function. In summary, the available evidence is currently insufficient to determine the role of this variant in disease. Therefore, it has been classified as a Variant of Uncertain Significance.